The following is an entry in ClinVar:

ClinVar aggregate classification (germline): Uncertain significance (1 of 4 stars; one submission).

Conditions:
Intellectual developmental disorder with seizures and language delay (IDDSELD). Identifiers: MedGen C5436574, MONDO:0033559, OMIM 619000.

Allele frequency attached by ClinVar (database versions not stated): gnomAD exomes below 0.00001.
gnomAD v4.1: 1 of 1,551,606 alleles (0.000064%); highest among the groups gnomAD compares: East Asian, 0.0024%; no homozygotes.

Submission:

MGZ Medical Genetics Center
Classification: Uncertain significance for Intellectual developmental disorder with seizures and language delay. Last evaluated: 2022-04-26. Review status: criteria provided, single submitter. Criteria: ACMG Guidelines, 2015. Collection method: clinical testing. Allele origin: germline. Affected: yes. Observed: 1 variant allele.
Comment: ACMG criteria applied: PM2_SUP, PP2

NM_001353345.2(SETD1B):c.185A>G (p.Asn62Ser)

Gene: SETD1B (SET domain containing 1B, histone lysine methyltransferase; plus strand). Cytogenetic location: 12q24.31.
Variant type: single nucleotide variant.
Coding change: c.185A>G on transcript NM_001353345.2 (MANE Select); coding-DNA position 185, A replaced by G.
Protein change: p.Asn62Ser; replaces asparagine 62 with serine.
Molecular consequence: missense variant.
Genome position (GRCh38, 1-based): chr12:121,805,128, A>G. VCF-style: chr12-121805128-A-G. GRCh37 (hg19) VCF-style: chr12-122243034-A-G.
Other names: short protein forms N62S.
Identifiers: ClinVar variation 1709334 (VCV001709334.2), dbSNP rs2500164954, ClinGen allele CA386987347.